The following is an entry in ClinVar:

NM_000169.3(GLA):c.1025del (p.Arg342fs)

Genes: GLA (galactosidase alpha; minus strand), RPL36A-HNRNPH2 (RPL36A-HNRNPH2 readthrough; plus strand). Cytogenetic location: Xq22.1.
Variant type: Deletion.
Coding change: c.1025del on transcript NM_000169.3 (MANE Select); coding-DNA position 1025, one base deleted (G; older notation c.1025delG).
Protein change: p.Arg342fs; shifts the reading frame from arginine 342.
Molecular consequence: frameshift variant. On other transcripts: non-coding transcript variant (3), intron variant (2).
Genome position (GRCh38, 1-based): chrX:101,398,074, C deleted on the plus strand (G on the coding strand, the reverse complement: GLA is on the minus strand). VCF-style (leftmost placement, unchanged base first): chrX-101398073-TC-T. GRCh37 (hg19) VCF-style: chrX-100653061-TC-T.
Other names: c.1148del, p.Arg383fs (NM_001406747.1); c.300+2617del (NM_001199973.2); c.177+6252del (NM_001199974.2); short protein forms R342fs, R383fs.
Identifiers: ClinVar variation 4087041 (VCV004087041.2).

ClinVar aggregate classification (germline): Pathogenic (1 of 4 stars; one submission).

Conditions:
Fabry disease. Also called: ALPHA-GALACTOSIDASE A DEFICIENCY; ANDERSON-FABRY DISEASE; CERAMIDE TRIHEXOSIDASE DEFICIENCY; GLA DEFICIENCY; HEREDITARY DYSTOPIC LIPIDOSIS; Angiokeratoma corporis diffusum. Identifiers: Orphanet 324, MedGen C0002986, MONDO:0010526, OMIM 301500, HP:0001071. Disease mechanism: Fabry disease is due to inactivating mutations in the X-linked GLA gene resulting in deficiency of the enzyme Alpha Galactosidase-A., loss of function.

Submission:

Genomenon, Inc
Classification: Pathogenic for Fabry disease. Last evaluated: 2026-09-08. Review status: criteria provided, single submitter. Criteria: Genomenon Sequence Variant Interpretation Standards - Updated. Collection method: curation. Allele origin: germline. Affected: yes.
Comment: GLA p.Arg342HisfsTer6 (c.1025del) is a frameshift variant that is predicted to introduce a premature termination codon and result in a truncated or absent protein product. This variant has been observed in at least one proband with clinical features consistent with Fabry disease (PMID:21700093;15702403). Functional or patient cell studies have been reported (PMID:15702403). It is absent or not present at a significant frequency in gnomAD. In conclusion, we classify GLA p.Arg342HisfsTer6 (c.1025del) as a pathogenic variant.

Literature cited by the submitters: PubMed 21700093; PubMed 15702403.